The following is an entry in ClinVar:

ClinVar aggregate classification (germline): Uncertain significance (1 of 4 stars; one submission).

Submission:

GeneDx
Classification: Uncertain significance. Last evaluated: 2022-06-28. Review status: criteria provided, single submitter. Criteria: GeneDx Variant Classification Process June 2021. Collection method: clinical testing. Allele origin: germline. Affected: yes.
Comment: In silico analysis supports that this missense variant has a deleterious effect on protein structure/function; Not observed at significant frequency in large population cohorts (gnomAD); Has not been previously published as pathogenic or benign to our knowledge

NM_000246.4(CIITA):c.3244A>G (p.Asn1082Asp)

Gene: CIITA (class II major histocompatibility complex transactivator; plus strand). Cytogenetic location: 16p13.13.
Variant type: single nucleotide variant.
Coding change: c.3244A>G on transcript NM_000246.4 (MANE Select); coding-DNA position 3244, A replaced by G.
Protein change: p.Asn1082Asp; replaces asparagine 1082 with aspartic acid.
Molecular consequence: missense variant. On other transcripts: non-coding transcript variant (1).
Genome position (GRCh38, 1-based): chr16:10,922,417, A>G. VCF-style: chr16-10922417-A-G. GRCh37 (hg19) VCF-style: chr16-11016274-A-G.
Other names: c.3247A>G, p.Asn1083Asp (NM_001286402.1, NM_001379332.1); c.1492A>G, p.Asn498Asp (NM_001286403.2); c.3100A>G, p.Asn1034Asp (NM_001379330.1); c.3097A>G, p.Asn1033Asp (NM_001379331.1); c.3244A>G, p.Asn1082Asp (NM_001379333.1); c.3175A>G, p.Asn1059Asp (NM_001379334.1); short protein forms N1033D, N1034D, N1059D, N1082D, N1083D, N498D.
Identifiers: ClinVar variation 1809988 (VCV001809988.1), dbSNP rs2544667403, ClinGen allele CA394723994.